The following is an entry in ClinVar:

NM_000054.7(AVPR2):c.472del (p.Arg158fs)

Gene: AVPR2 (arginine vasopressin receptor 2; plus strand). Cytogenetic location: Xq28.
Variant type: Deletion.
Coding change: c.472del on transcript NM_000054.7 (MANE Select); coding-DNA position 472, one base deleted (C; older notation c.472delC).
Protein change: p.Arg158fs; shifts the reading frame from arginine 158.
Molecular consequence: frameshift variant.
Genome position (GRCh38, 1-based): chrX:153,905,978, C deleted; the last of 2 consecutive C bases (chrX:153,905,977-153,905,978); deleting either gives the same sequence. VCF-style (leftmost placement, unchanged base first): chrX-153905976-AC-A. GRCh37 (hg19) VCF-style: chrX-153171430-AC-A.
Other names: c.472del, p.Arg158fs (NM_001146151.3); c.472del (NM_000054.4); c.472delC (NM_000054.4); short protein forms R158fs.
Identifiers: ClinVar variation 35741 (VCV000035741.5), dbSNP rs193922115, ClinGen allele CA260164.

ClinVar aggregate classification (germline): Pathogenic/Likely pathogenic. Review status: criteria provided, multiple submitters, no conflicts (2 of 4 stars). 3 submissions from 3 submitters: Pathogenic (2); Likely pathogenic (1). Last evaluated 2025-02-13.

Conditions:
Nephrogenic diabetes insipidus. Identifiers: Orphanet 223, MedGen C0162283, MONDO:0016383, HP:0009806.

Submissions (3):

Labcorp Genetics (formerly Invitae), Labcorp
Classification: Pathogenic. Last evaluated: 2025-02-13. Review status: criteria provided, single submitter. Criteria: Invitae Variant Classification Sherloc (09022015). Collection method: clinical testing. Allele origin: germline.
Comment: This sequence change creates a premature translational stop signal (p.Arg158Glyfs*4) in the AVPR2 gene. It is expected to result in an absent or disrupted protein product. Loss-of-function variants in AVPR2 are known to be pathogenic (PMID: 8037205, 10820168). This variant is not present in population databases (gnomAD no frequency). This variant has not been reported in the literature in individuals affected with AVPR2-related conditions. ClinVar contains an entry for this variant (Variation ID: 35741). For these reasons, this variant has been classified as Pathogenic.

Athena Diagnostics
Classification: Pathogenic. Last evaluated: 2024-04-26. Review status: criteria provided, single submitter. Criteria: Athena Diagnostics Criteria. Collection method: clinical testing. Allele origin: unknown.
Comment: This variant is expected to result in the loss of a functional protein. This variant has not been reported in large, multi-ethnic general populations. This variant has been identified in at least one individual tested at Athena Diagnostics with clinical features associated with this gene.

Women's Health and Genetics/Laboratory Corporation of America, LabCorp
Classification: Likely pathogenic for Nephrogenic Diabetes Insipidus. Last evaluated: 2011-08-18. Review status: criteria provided, single submitter. Criteria: LabCorp Variant Classification Summary - May 2015. Collection method: curation, clinical testing. Allele origin: germline. Inheritance: Xlinked unknown. Affected: yes.
ClinVar note: Converted during submission from likely pathogenic to Likely pathogenic.

Literature cited by the submitters: PubMed 8037205 (cited by Labcorp Genetics (formerly Invitae), Labcorp); PubMed 10820168 (cited by Labcorp Genetics (formerly Invitae), Labcorp).